The following is an entry in ClinVar:

ClinVar aggregate classification (germline): Uncertain significance (1 of 4 stars; one submission).

Conditions:
EPHA2-related disorder. Also called: EPHA2-related condition.

gnomAD v4.1: 11 of 1,614,032 alleles (0.00068%); highest among the groups gnomAD compares: Admixed American, 0.0017%; no homozygotes.

Submission:

PreventionGenetics, part of Exact Sciences
Classification: Uncertain significance for EPHA2-related condition. Last evaluated: 2024-10-10. Review status: criteria provided, single submitter. Criteria: ACMG Guidelines, 2015. Collection method: clinical testing. Allele origin: germline.
Comment: The EPHA2 c.391G>A variant is predicted to result in the amino acid substitution p.Gly131Ser. To our knowledge, this variant has not been reported in the literature. This variant is reported in 0.00088% of alleles in individuals of European (Non-Finnish) descent in gnomAD. At this time, the clinical significance of this variant is uncertain due to the absence of conclusive functional and genetic evidence.

NM_004431.5(EPHA2):c.391G>A (p.Gly131Ser)

Gene: EPHA2 (EPH receptor A2; minus strand). Cytogenetic location: 1p36.13.
Variant type: single nucleotide variant.
Coding change: c.391G>A on transcript NM_004431.5 (MANE Select); coding-DNA position 391, G replaced by A.
Protein change: p.Gly131Ser; replaces glycine 131 with serine.
Molecular consequence: missense variant.
Genome position (GRCh38, 1-based): chr1:16,148,810, C>T on the plus strand (G>A on the coding strand, the complement: EPHA2 is on the minus strand). VCF-style: chr1-16148810-C-T. GRCh37 (hg19) VCF-style: chr1-16475305-C-T.
Other names: c.229G>A, p.Gly77Ser (NM_001329090.2); short protein forms G131S, G77S.
Identifiers: ClinVar variation 4989571 (VCV004989571.1).